The following is an entry in ClinVar:

ClinVar aggregate classification (germline): Uncertain significance (1 of 4 stars; one submission).

Conditions:
DNM1-related disorder. Also called: DNM1-related condition.

Submission:

3billion
Classification: Uncertain significance for DNM1-related disorder. Last evaluated: 2024-11-06. Review status: criteria provided, single submitter. Criteria: ACMG Guidelines, 2015. Collection method: clinical testing. Allele origin: germline. Affected: yes.
Comment: The variant is not observed in the gnomAD v4.1.0 dataset. Predicted Consequence/Location: Missense variant In silico tool predictions suggest damaging effect of the variant on gene or gene product [REVEL: 0.76 (>=0.6, sensitivity 0.68 and specificity 0.92)]. A different missense change at the same codon (p.Ser238Ile) has been reported to be associated with DNM1 related disorder (ClinVar ID: VCV000520714 /PMID: 28667181). However the evidence of pathogenicity is insufficient at this time. Therefore, this variant is classified as VUS according to the recommendation of ACMG/AMP guideline.

Literature cited by the submitters: PubMed 28667181.

NM_004408.4(DNM1):c.713G>A (p.Ser238Asn)

Gene: DNM1 (dynamin 1; plus strand). Cytogenetic location: 9q34.11.
Variant type: single nucleotide variant.
Coding change: c.713G>A on transcript NM_004408.4 (MANE Select); coding-DNA position 713, G replaced by A.
Protein change: p.Ser238Asn; replaces serine 238 with asparagine.
Molecular consequence: missense variant.
Genome position (GRCh38, 1-based): chr9:128,220,205, G>A. VCF-style: chr9-128220205-G-A. GRCh37 (hg19) VCF-style: chr9-130982484-G-A.
Other names: c.713G>A, p.Ser238Asn (NM_001005336.3, NM_001288737.2, NM_001288738.2 and 2 more transcripts); short protein forms S238N.
Identifiers: ClinVar variation 4293828 (VCV004293828.1).